The following is an entry in ClinVar:

NM_144643.4(SCLT1):c.1180A>G (p.Ile394Val)

Gene: SCLT1 (sodium channel and clathrin linker 1; minus strand). Cytogenetic location: 4q28.2.
Variant type: single nucleotide variant.
Coding change: c.1180A>G on transcript NM_144643.4 (MANE Select); coding-DNA position 1180, A replaced by G.
Protein change: p.Ile394Val; replaces isoleucine 394 with valine.
Molecular consequence: missense variant.
Genome position (GRCh38, 1-based): chr4:128,952,807, T>C on the plus strand (A>G on the coding strand, the complement: SCLT1 is on the minus strand). VCF-style: chr4-128952807-T-C. GRCh37 (hg19) VCF-style: chr4-129873962-T-C.
Other names: c.1180A>G (NM_144643.3, NM_144643.2); short protein forms I394V.
Identifiers: ClinVar variation 1528179 (VCV001528179.10), dbSNP rs147782657, ClinGen allele CA3079713.

ClinVar aggregate classification (germline): Conflicting classifications of pathogenicity. Review status: criteria provided, conflicting classifications (1 of 4 stars). 3 submissions from 3 submitters: Uncertain significance (1); Likely benign (1). 1 of the submissions does not count toward it. Last evaluated 2025-08-01.

Conditions:
SCLT1-related disorder. Also called: SCLT1-related condition.

Allele frequency attached by ClinVar (database versions not stated): gnomAD exomes 0.00006 and 0.00014; TOPMed 0.00006; gnomAD 0.00007; ExAC 0.00010; ESP Exome Variant Server 0.00023.
gnomAD v4.1: 98 of 1,568,126 alleles (0.0062%); highest among the groups gnomAD compares: Non-Finnish European, 0.0026%; no homozygotes.

Submissions (3):

Labcorp Genetics (formerly Invitae), Labcorp
Classification: Likely benign. Last evaluated: 2025-08-01. Review status: criteria provided, single submitter. Criteria: Invitae Variant Classification Sherloc (09022015). Collection method: clinical testing. Allele origin: germline.

Ambry Genetics
Classification: Uncertain significance. Last evaluated: 2023-09-29. Review status: criteria provided, single submitter. Criteria: Ambry Variant Classification Scheme 2023. Collection method: clinical testing. Allele origin: germline.

PreventionGenetics, part of Exact Sciences
Classification: Likely benign for SCLT1-related condition. Last evaluated: 2024-08-22. Review status: no assertion criteria provided. Collection method: clinical testing. Allele origin: germline. Not counted in ClinVar's aggregate classification.
Comment: This variant is classified as likely benign based on ACMG/AMP sequence variant interpretation guidelines (Richards et al. 2015 PMID: 25741868, with internal and published modifications).